The following is an entry in ClinVar:

NM_001360016.2(G6PD):c.*357=

Gene: G6PD (glucose-6-phosphate dehydrogenase; minus strand). Cytogenetic location: Xq28.
Variant type: single nucleotide variant.
Coding change: c.*357= on transcript NM_001360016.2 (MANE Select); 357 bases downstream of the stop codon, no change from the reference sequence.
Molecular consequence: no sequence alteration.
Genome position: GRCh38 VCF-style: chrX-154531643-C-C. GRCh37 (hg19) VCF-style: chrX-153759858-T-C.
Other names: c.*357= (NM_000402.4, NM_001042351.3).
Identifiers: ClinVar variation 368096 (VCV000368096.28), dbSNP rs1050757.

ClinVar aggregate classification (germline): Benign/Likely benign. Review status: criteria provided, multiple submitters, no conflicts (2 of 4 stars). 4 submissions from 4 submitters: Benign (2); Likely benign (2). Last evaluated 2026-01-19.

Conditions:
Anemia, nonspherocytic hemolytic, due to G6PD deficiency (CNSHA1). Also called: Hemolytic anemia due to G6PD deficiency; Favism, susceptibility to; Class I glucose-6-phosphate dehydrogenase deficiency; ANEMIA, CONGENITAL, NONSPHEROCYTIC HEMOLYTIC, 1. Identifiers: Orphanet 466026, MedGen C2720289, MONDO:0010480, OMIM 300908.
G6PD deficiency. Also called: G6PD A-. Identifiers: MedGen C2939465, MONDO:0005775.

Allele frequency attached by ClinVar (database versions not stated): gnomAD exomes 0.23885; gnomAD 0.36050 and 0.36655; TOPMed 0.38179; 1000 Genomes Project 30x 0.43080.

Submissions (4):

Labcorp Genetics (formerly Invitae), Labcorp
Classification: Benign for Anemia, nonspherocytic hemolytic, due to G6PD deficiency. Last evaluated: 2026-01-19. Review status: criteria provided, single submitter. Criteria: Invitae Variant Classification Sherloc (09022015). Collection method: clinical testing. Allele origin: germline.

ARUP Laboratories, Molecular Genetics and Genomics, ARUP Laboratories
Classification: Benign. Last evaluated: 2025-07-31. Review status: criteria provided, single submitter. Criteria: ARUP Molecular Germline Variant Investigation Process 2024. Collection method: clinical testing. Allele origin: germline.

Illumina Laboratory Services, Illumina
Classification: Likely benign for Glucose 6 phosphate dehydrogenase deficiency. Last evaluated: 2018-01-13. Review status: criteria provided, single submitter. Criteria: ICSL Variant Classification Criteria 13 December 2019. Collection method: clinical testing. Allele origin: germline.
Comment: This variant was observed in the ICSL laboratory as part of a predisposition screen in an ostensibly healthy population. It had not been previously curated by ICSL or reported in the Human Gene Mutation Database (HGMD: prior to June 1st, 2018), and was therefore a candidate for classification through an automated scoring system. Utilizing variant allele frequency, disease prevalence and penetrance estimates, and inheritance mode, an automated score was calculated to assess if this variant is too frequent to cause the disease. Based on the score and internal cut-off values, a variant classified as likely benign is not then subjected to further curation. The score for this variant resulted in a classification of likely benign for this disease.

Breakthrough Genomics
Classification: Likely benign. Review status: criteria provided, single submitter. Criteria: ACMG Guidelines, 2015. Collection method: not provided. Allele origin: germline. Inheritance: X-linked inheritance. Affected: yes.